The following is an entry in ClinVar:

NM_020693.4(DSCAML1):c.2812C>T (p.Arg938Cys)

Gene: DSCAML1 (DS cell adhesion molecule like 1; minus strand). Cytogenetic location: 11q23.3.
Variant type: single nucleotide variant.
Coding change: c.2812C>T on transcript NM_020693.4 (MANE Select); coding-DNA position 2812, C replaced by T.
Protein change: p.Arg938Cys; replaces arginine 938 with cysteine.
Molecular consequence: missense variant.
Genome position (GRCh38, 1-based): chr11:117,472,010, G>A on the plus strand (C>T on the coding strand, the complement: DSCAML1 is on the minus strand). VCF-style: chr11-117472010-G-A. GRCh37 (hg19) VCF-style: chr11-117342725-G-A.
Other names: short protein forms R938C.
Identifiers: ClinVar variation 4778449 (VCV004778449.1).

ClinVar aggregate classification (germline): Uncertain significance (1 of 4 stars; one submission).

gnomAD v4.1: 29 of 1,614,140 alleles (0.0018%); highest among the groups gnomAD compares: South Asian, 0.0033%; no homozygotes.

Submission:

Labcorp Genetics (formerly Invitae), Labcorp
Classification: Uncertain significance. Last evaluated: 2025-03-26. Review status: criteria provided, single submitter. Criteria: Invitae Variant Classification Sherloc (09022015). Collection method: clinical testing. Allele origin: germline.
Comment: This sequence change replaces arginine, which is basic and polar, with cysteine, which is neutral and slightly polar, at codon 998 of the DSCAML1 protein (p.Arg998Cys). This variant is present in population databases (rs763133448, gnomAD 0.01%). This variant has not been reported in the literature in individuals affected with DSCAML1-related conditions. An algorithm developed to predict the effect of missense changes on protein structure and function (PolyPhen-2) suggests that this variant is likely to be disruptive. In summary, the available evidence is currently insufficient to determine the role of this variant in disease. Therefore, it has been classified as a Variant of Uncertain Significance.